The following is an entry in ClinVar:

NM_002016.2(FLG):c.2118A>C (p.Glu706Asp)

Genes: CCDST (cervical cancer associated DHX9 suppressive transcript; plus strand), FLG (filaggrin; minus strand). Cytogenetic location: 1q21.3.
Variant type: single nucleotide variant.
Coding change: c.2118A>C on transcript NM_002016.2 (MANE Select); coding-DNA position 2118, A replaced by C.
Protein change: p.Glu706Asp; replaces glutamic acid 706 with aspartic acid.
Molecular consequence: missense variant.
Genome position (GRCh38, 1-based): chr1:152,312,768, T>G on the plus strand (A>C on the coding strand, the complement: FLG is on the minus strand). VCF-style: chr1-152312768-T-G. GRCh37 (hg19) VCF-style: chr1-152285244-T-G.
Other names: short protein forms E706D.
Identifiers: ClinVar variation 3234517 (VCV003234517.20), dbSNP rs754037449, ClinGen allele CA1107327.

ClinVar aggregate classification (germline): Likely benign (1 of 4 stars; one submission).

Allele frequency attached by ClinVar (database versions not stated): gnomAD exomes 0.00001; ExAC 0.00002.
gnomAD v4.1: 15 of 1,613,994 alleles (0.00093%); highest among the groups gnomAD compares: South Asian, 0.014%; 1 homozygote.

Submission:

CeGaT Center for Human Genetics Tuebingen
Classification: Likely benign. Last evaluated: 2024-04-01. Review status: criteria provided, single submitter. Criteria: CeGaT Center For Human Genetics Tuebingen Variant Classification Criteria Version 2. Collection method: clinical testing. Allele origin: germline. Affected: yes. Observed: 1 variant allele.
Comment: FLG: BP4